The following is an entry in ClinVar:

NM_015278.5(SASH1):c.428-4T>G

Gene: SASH1 (SAM and SH3 domain containing 1; plus strand). Cytogenetic location: 6q24.3.
Variant type: single nucleotide variant.
Coding change: c.428-4T>G on transcript NM_015278.5 (MANE Select); 4 bases into the intron before coding-DNA position 428, T replaced by G.
Molecular consequence: intron variant.
Genome position (GRCh38, 1-based): chr6:148,471,413, T>G. VCF-style: chr6-148471413-T-G. GRCh37 (hg19) VCF-style: chr6-148792549-T-G.
Other names: c.293-4T>G (NM_001346505.2); c.56-4T>G (NM_001346506.2).
Identifiers: ClinVar variation 3046567 (VCV003046567.2), dbSNP rs912899676, ClinGen allele CA2740091507.

ClinVar aggregate classification (germline): Likely benign (0 of 4 stars; one submission).

Conditions:
SASH1-related disorder. Also called: SASH1-related condition.

Submission:

PreventionGenetics, part of Exact Sciences
Classification: Likely benign for SASH1-related condition. Last evaluated: 2023-07-06. Review status: no assertion criteria provided. Collection method: clinical testing. Allele origin: germline.
Comment: This variant is classified as likely benign based on ACMG/AMP sequence variant interpretation guidelines (Richards et al. 2015 PMID: 25741868, with internal and published modifications).